The following is an entry in ClinVar:

NM_001430.5(EPAS1):c.1567G>C (p.Glu523Gln)

Gene: EPAS1 (endothelial PAS domain protein 1; plus strand). Cytogenetic location: 2p21.
Variant type: single nucleotide variant.
Coding change: c.1567G>C on transcript NM_001430.5 (MANE Select); coding-DNA position 1567, G replaced by C.
Protein change: p.Glu523Gln; replaces glutamic acid 523 with glutamine.
Molecular consequence: missense variant.
Genome position (GRCh38, 1-based): chr2:46,380,239, G>C. VCF-style: chr2-46380239-G-C. GRCh37 (hg19) VCF-style: chr2-46607378-G-C.
Other names: short protein forms E523Q.
Identifiers: ClinVar variation 2626667 (VCV002626667.2), dbSNP rs2103672087, ClinGen allele CA346704402.
Genomic context (GRCh38, chr2:46,380,239, plus strand): 5'-AGGTCGTACCAACCCCCTTGCCTCTTTGCCGGTGCTGTCTCCCCTCAGACGGATTTCAAT[G>C]AGCTGGACTTGGAGACACTGGCACCCTATATCCCCATGGACGGGGAAGACTTCCAGCTAA-3'
Protein context (NP_001421.2, residues 513-533): DQCSTQTDFN[Glu523Gln]LDLETLAPYI

ClinVar aggregate classification (germline): Uncertain significance (1 of 4 stars; one submission).

Conditions:
Inborn genetic diseases. Identifiers: MedGen C0950123, MeSH D030342.

Submission:

Ambry Genetics
Classification: Uncertain significance for Inborn genetic diseases. Last evaluated: 2023-09-06. Review status: criteria provided, single submitter. Criteria: Ambry Variant Classification Scheme 2023. Collection method: clinical testing. Allele origin: germline.
Comment: The p.E523Q variant (also known as c.1567G>C), located in coding exon 12 of the EPAS1 gene, results from a G to C substitution at nucleotide position 1567. The glutamic acid at codon 523 is replaced by glutamine, an amino acid with highly similar properties. This amino acid position is conserved. In addition, the in silico prediction for this alteration is inconclusive. Since supporting evidence is limited at this time, the clinical significance of this alteration remains unclear.